The following is an entry in ClinVar:

NM_004304.5(ALK):c.841C>T (p.His281Tyr)

Gene: ALK (ALK receptor tyrosine kinase; minus strand). Cytogenetic location: 2p23.2.
Variant type: single nucleotide variant.
Coding change: c.841C>T on transcript NM_004304.5 (MANE Select); coding-DNA position 841, C replaced by T.
Protein change: p.His281Tyr; replaces histidine 281 with tyrosine.
Molecular consequence: missense variant.
Genome position (GRCh38, 1-based): chr2:29,694,961, G>A on the plus strand (C>T on the coding strand, the complement: ALK is on the minus strand). VCF-style: chr2-29694961-G-A. GRCh37 (hg19) VCF-style: chr2-29917827-G-A.
Other names: short protein forms H281Y.
Identifiers: ClinVar variation 2057217 (VCV002057217.6), dbSNP rs2148289926, ClinGen allele CA346587035.

ClinVar aggregate classification (germline): Uncertain significance. Review status: criteria provided, multiple submitters, no conflicts (2 of 4 stars). 2 submissions from 2 submitters: Uncertain significance (2). Last evaluated 2025-05-15.

Conditions:
Neuroblastoma, susceptibility to, 3. Also called: ALK-Related Neuroblastic Tumor Susceptibility. Identifiers: Orphanet 635, MedGen C2751681, MONDO:0013083, OMIM 613014.

Submissions (2):

Dasa
Classification: Uncertain significance. Last evaluated: 2025-05-15. Review status: criteria provided, single submitter. Criteria: DASA Assertion Criteria. Collection method: clinical testing. Allele origin: germline.
Comment: NM_004304.5(ALK):c.841C>T (p.His281Tyr) is a missense variant that results in the substitution of histidine with tyrosine. This variant is absent from population databases. Computational prediction algorithms are consistent with a benign effect. The currently available literature and clinical evidence are not sufficient to establish a definitive association between this variant and the reported condition. Therefore, this variant is classified as a variant of uncertain significance.

Labcorp Genetics (formerly Invitae), Labcorp
Classification: Uncertain significance for Neuroblastoma, susceptibility to, 3. Last evaluated: 2021-12-24. Review status: criteria provided, single submitter. Criteria: Invitae Variant Classification Sherloc (09022015). Collection method: clinical testing. Allele origin: germline.
Comment: This variant is not present in population databases (gnomAD no frequency). In summary, the available evidence is currently insufficient to determine the role of this variant in disease. Therefore, it has been classified as a Variant of Uncertain Significance. Algorithms developed to predict the effect of sequence changes on RNA splicing suggest that this variant may create or strengthen a splice site. Algorithms developed to predict the effect of missense changes on protein structure and function are either unavailable or do not agree on the potential impact of this missense change (SIFT: "Deleterious"; PolyPhen-2: "Possibly Damaging"; Align-GVGD: "Class C0"). This variant has not been reported in the literature in individuals affected with ALK-related conditions. This sequence change replaces histidine, which is basic and polar, with tyrosine, which is neutral and polar, at codon 281 of the ALK protein (p.His281Tyr).